The following is an entry in ClinVar:

NM_024422.6(DSC2):c.2467dup (p.Tyr823fs)

Gene: DSC2 (desmocollin 2; minus strand). Cytogenetic location: 18q12.1.
Variant type: Duplication.
Coding change: c.2467dup on transcript NM_024422.6 (MANE Select); coding-DNA position 2467, one base duplicated (T; older notation c.2467dupT).
Protein change: p.Tyr823fs; shifts the reading frame from tyrosine 823.
Molecular consequence: frameshift variant.
Genome position (GRCh38, 1-based): chr18:31,068,935, A duplicated on the plus strand (T on the coding strand, the reverse complement: DSC2 is on the minus strand); the first of 2 consecutive A bases (chr18:31,068,935-31,068,936); duplicating either gives the same sequence. VCF-style (leftmost placement, unchanged base first): chr18-31068934-T-TA. GRCh37 (hg19) VCF-style: chr18-28648900-T-TA.
Other names: c.2038dup, p.Tyr680fs (NM_001406506.1, NM_001406507.1); c.2467dup, p.Tyr823fs (NM_004949.5); short protein forms Y680fs, Y823fs.
Identifiers: ClinVar variation 2775171 (VCV002775171.2), dbSNP rs867933343, ClinGen allele CA297686172.

ClinVar aggregate classification (germline): Uncertain significance (1 of 4 stars; one submission).

Conditions:
Cardiomyopathy (CMYO). Also called: Cardiomyopathies. Identifiers: Orphanet 167848, MedGen C0878544, MONDO:0004994, HP:0001638. Inheritance: Various modes of inheritance.

Submission:

Color Diagnostics, LLC DBA Color Health
Classification: Uncertain significance for Cardiomyopathy. Last evaluated: 2024-01-03. Review status: criteria provided, single submitter. Criteria: ACMG Guidelines, 2015. Collection method: clinical testing. Allele origin: germline.
Comment: This variant causes duplication of 1 nucleotide in exon 15 of the DSC2 gene, creating a frameshift and premature translation stop signal. This variant is expected to escape nonsense-mediated decay and be expressed as a truncated protein product. To our knowledge, this variant has not been reported in individuals affected with DSC2-related disorders in the literature. This variant has not been identified in the general population by the Genome Aggregation Database (gnomAD). The available evidence is insufficient to determine the role of this variant in disease conclusively. Therefore, this variant is classified as a Variant of Uncertain Significance.